The following is an entry in ClinVar:

ClinVar aggregate classification (germline): Uncertain significance (1 of 4 stars; one submission).

Submission:

Women's Health and Genetics/Laboratory Corporation of America, LabCorp
Classification: Uncertain significance. Last evaluated: 2026-02-06. Review status: criteria provided, single submitter. Criteria: LabCorp Variant Classification Summary - May 2015. Collection method: clinical testing. Allele origin: germline.
Comment: Variant summary: BCL11B c.1882G>A (p.Ala628Thr) results in a non-conservative amino acid change in the encoded protein sequence. Algorithms developed to predict the effect of missense changes on protein structure and function are either unavailable or do not agree on the potential impact of this missense change. The frequency data for this variant in gnomAD is considered unreliable, as metrics indicate poor data quality at this position. To our knowledge, no occurrence of c.1882G>A in individuals affected with BCL11B-related conditions and no experimental evidence demonstrating its impact on protein function have been reported. No submitters have cited clinical-significance assessments for this variant to ClinVar. Based on the evidence outlined above, the variant was classified as uncertain significance.

NM_138576.4(BCL11B):c.1882G>A (p.Ala628Thr)

Gene: BCL11B (BCL11 transcription factor B; minus strand). Cytogenetic location: 14q32.2.
Variant type: single nucleotide variant.
Coding change: c.1882G>A on transcript NM_138576.4 (MANE Select); coding-DNA position 1882, G replaced by A.
Protein change: p.Ala628Thr; replaces alanine 628 with threonine.
Molecular consequence: missense variant.
Genome position (GRCh38, 1-based): chr14:99,174,954, C>T on the plus strand (G>A on the coding strand, the complement: BCL11B is on the minus strand). VCF-style: chr14-99174954-C-T. GRCh37 (hg19) VCF-style: chr14-99641291-C-T.
Other names: c.1879G>A, p.Ala627Thr (NM_001282237.2); c.1666G>A, p.Ala556Thr (NM_001282238.2); c.1669G>A, p.Ala557Thr (NM_022898.3); short protein forms A556T, A557T, A627T, A628T.
Identifiers: ClinVar variation 4848002 (VCV004848002.1).
Genomic context (GRCh38, chr14:99,174,954, plus strand): 5'-CCGCGCCCGCGTCCCCGCAGCCGCCCGCGTCGTCGTCGTCGCCCGCGTCCCCGCCGCCCG[C>T]CGCACGCTTCAGGAAGGCGCCGCGCTTCTGCTTGTCGGCCAGGAGCTCGCCGTACTGCGG-3'
Protein context (NP_612808.1, residues 618-638): QKRGAFLKRA[Ala628Thr]GGGDAGDDDD